The following is an entry in ClinVar:

NM_194248.3(OTOF):c.5193-1G>C

Gene: OTOF (otoferlin; minus strand). Cytogenetic location: 2p23.3.
Variant type: single nucleotide variant.
Coding change: c.5193-1G>C on transcript NM_194248.3 (MANE Select); the canonical splice acceptor site of the intron before coding-DNA position 5193, G replaced by C.
Molecular consequence: splice acceptor variant.
Genome position (GRCh38, 1-based): chr2:26,462,182, C>G on the plus strand (G>C on the coding strand, the complement: OTOF is on the minus strand). VCF-style: chr2-26462182-C-G. GRCh37 (hg19) VCF-style: chr2-26685050-C-G.
Other names: c.5193-1G>C (NM_001287489.2); c.2892-1G>C (NM_194323.3, NM_004802.4); c.3123-1G>C (NM_194322.3).
Identifiers: ClinVar variation 2982202 (VCV002982202.3), dbSNP rs111033373, ClinGen allele CA346132442.

ClinVar aggregate classification (germline): Pathogenic (1 of 4 stars; one submission).

Allele frequency attached by ClinVar (database versions not stated): TOPMed 0.00001.
gnomAD v4.1: 3 of 1,613,896 alleles (0.00019%); highest among the groups gnomAD compares: Non-Finnish European, 0.00025%; no homozygotes.

Submission:

Labcorp Genetics (formerly Invitae), Labcorp
Classification: Pathogenic. Last evaluated: 2023-04-24. Review status: criteria provided, single submitter. Criteria: Invitae Variant Classification Sherloc (09022015). Collection method: clinical testing. Allele origin: germline.
Comment: For these reasons, this variant has been classified as Pathogenic. Algorithms developed to predict the effect of sequence changes on RNA splicing suggest that this variant may disrupt the consensus splice site. Disruption of this splice site has been observed in individual(s) with autosomal recessive deafness (PMID: 33111345; Invitae). In at least one individual the data is consistent with being in trans (on the opposite chromosome) from a pathogenic variant. This variant is not present in population databases (gnomAD no frequency). This sequence change affects an acceptor splice site in intron 41 of the OTOF gene. It is expected to disrupt RNA splicing. Variants that disrupt the donor or acceptor splice site typically lead to a loss of protein function (PMID: 16199547), and loss-of-function variants in OTOF are known to be pathogenic (PMID: 18381613, 19250381, 22575033).

Literature cited by the submitters: PubMed 33111345; PubMed 16199547; PubMed 18381613; PubMed 19250381; PubMed 22575033.